The following is an entry in ClinVar:

ClinVar aggregate classification (germline): Uncertain significance. Review status: criteria provided, multiple submitters, no conflicts (2 of 4 stars). 4 submissions from 4 submitters: Uncertain significance (4). Last evaluated 2025-10-05.

Conditions:
Hereditary cancer-predisposing syndrome. Also called: Hereditary neoplastic syndrome; Hereditary Cancer Syndrome; Neoplastic Syndromes, Hereditary; Tumor predisposition. Identifiers: Orphanet 140162, MedGen C0027672, MeSH D009386, MONDO:0015356.

Allele frequency attached by ClinVar (database versions not stated): TOPMed below 0.00001; gnomAD 0.00001; gnomAD exomes 0.00001.

Submissions (4):

Labcorp Genetics (formerly Invitae), Labcorp
Classification: Uncertain significance. Last evaluated: 2025-10-05. Review status: criteria provided, single submitter. Criteria: Invitae Variant Classification Sherloc (09022015). Collection method: clinical testing. Allele origin: germline.
Comment: This sequence change replaces glycine, which is neutral and non-polar, with serine, which is neutral and polar, at codon 2136 of the POLE protein (p.Gly2136Ser). This variant is present in population databases (no rsID available, gnomAD 0.002%). This variant has not been reported in the literature in individuals affected with POLE-related conditions. ClinVar contains an entry for this variant (Variation ID: 581859). Invitae Evidence Modeling of protein sequence and biophysical properties (such as structural, functional, and spatial information, amino acid conservation, physicochemical variation, residue mobility, and thermodynamic stability) indicates that this missense variant is not expected to disrupt POLE protein function with a negative predictive value of 80%. In summary, the available evidence is currently insufficient to determine the role of this variant in disease. Therefore, it has been classified as a Variant of Uncertain Significance.

Ambry Genetics
Classification: Uncertain significance for Hereditary cancer-predisposing syndrome. Last evaluated: 2025-01-03. Review status: criteria provided, single submitter. Criteria: Ambry Variant Classification Scheme 2023. Collection method: clinical testing. Allele origin: germline.
Comment: The p.G2136S variant (also known as c.6406G>A), located in coding exon 46 of the POLE gene, results from a G to A substitution at nucleotide position 6406. The glycine at codon 2136 is replaced by serine, an amino acid with similar properties. This amino acid position is well conserved in available vertebrate species. In addition, the in silico prediction for this alteration is inconclusive. Based on the available evidence, the clinical significance of this variant remains unclear.

Blueprint Genetics
Classification: Uncertain significance. Last evaluated: 2024-10-16. Review status: criteria provided, single submitter. Criteria: ACMG Guidelines, 2015. Collection method: clinical testing. Allele origin: germline.

GeneDx
Classification: Uncertain significance. Last evaluated: 2024-08-19. Review status: criteria provided, single submitter. Criteria: GeneDx Variant Classification Process June 2021. Collection method: clinical testing. Allele origin: germline. Affected: yes.
Comment: Not observed at significant frequency in large population cohorts (gnomAD); In silico analysis supports that this missense variant has a deleterious effect on protein structure/function; Observed in a patient with colorectal cancer (PMID: 29212164); This variant is associated with the following publications: (PMID: 29349598, 29212164)

NM_006231.4(POLE):c.6406G>A (p.Gly2136Ser)

Gene: POLE (DNA polymerase epsilon, catalytic subunit; minus strand). Cytogenetic location: 12q24.33.
Variant type: single nucleotide variant.
Coding change: c.6406G>A on transcript NM_006231.4 (MANE Select); coding-DNA position 6406, G replaced by A.
Protein change: p.Gly2136Ser; replaces glycine 2136 with serine.
Molecular consequence: missense variant.
Genome position (GRCh38, 1-based): chr12:132,626,242, C>T on the plus strand (G>A on the coding strand, the complement: POLE is on the minus strand). VCF-style: chr12-132626242-C-T. GRCh37 (hg19) VCF-style: chr12-133202828-C-T.
Other names: c.6406G>A (NM_006231.2); short protein forms G2136S.
Identifiers: ClinVar variation 581859 (VCV000581859.10), dbSNP rs1368640639, ClinGen allele CA387367670.